The following is an entry in ClinVar:

NM_000368.5(TSC1):c.3087T>G (p.Ser1029Arg)

Gene: TSC1 (TSC complex subunit 1; minus strand). Cytogenetic location: 9q34.13.
Variant type: single nucleotide variant.
Coding change: c.3087T>G on transcript NM_000368.5 (MANE Select); coding-DNA position 3087, T replaced by G.
Protein change: p.Ser1029Arg; replaces serine 1029 with arginine.
Molecular consequence: missense variant. On other transcripts: non-coding transcript variant (5).
Genome position (GRCh38, 1-based): chr9:132,896,643, A>C on the plus strand (T>G on the coding strand, the complement: TSC1 is on the minus strand). VCF-style: chr9-132896643-A-C. GRCh37 (hg19) VCF-style: chr9-135772030-A-C.
Other names: c.3087T>G, p.Ser1029Arg (NM_001406592.1, NM_001406593.1, NM_001406594.1 and 2 more transcripts); c.3084T>G, p.Ser1028Arg (NM_001406597.1, NM_001406598.1, NM_001406599.1 and 2 more transcripts); c.3072T>G, p.Ser1024Arg (NM_001406601.1, NM_001406602.1); c.2934T>G, p.Ser978Arg (NM_001162427.2, NM_001406610.1); c.2724T>G, p.Ser908Arg (NM_001362177.2, NM_001406614.1, NM_001406615.1 and 4 more transcripts); c.3069T>G, p.Ser1023Arg (NM_001406603.1, NM_001406604.1); c.3045T>G, p.Ser1015Arg (NM_001406605.1, NM_001406606.1, NM_001406607.1); c.3042T>G, p.Ser1014Arg (NM_001406608.1, NM_001406609.1); and 8 more; short protein forms S1023R, S1029R, S712R, S908R, S711R, S907R, S978R, S1014R.
Identifiers: ClinVar variation 3974563 (VCV003974563.1).

ClinVar aggregate classification (germline): Uncertain significance (1 of 4 stars; one submission).

Conditions:
Hereditary cancer-predisposing syndrome. Also called: Tumor predisposition; Hereditary neoplastic syndrome; Hereditary Cancer Syndrome; Neoplastic Syndromes, Hereditary. Identifiers: Orphanet 140162, MedGen C0027672, MeSH D009386, MONDO:0015356.

Submission:

Ambry Genetics
Classification: Uncertain significance for Hereditary cancer-predisposing syndrome. Last evaluated: 2025-05-02. Review status: criteria provided, single submitter. Criteria: Ambry Variant Classification Scheme 2023. Collection method: clinical testing. Allele origin: germline.
Comment: The p.S1029R variant (also known as c.3087T>G), located in coding exon 21 of the TSC1 gene, results from a T to G substitution at nucleotide position 3087. The serine at codon 1029 is replaced by arginine, an amino acid with dissimilar properties. This amino acid position is conserved. In addition, this alteration is predicted to be tolerated by in silico analysis. Based on the available evidence, the clinical significance of this variant remains unclear.